The following is an entry in ClinVar:

ClinVar aggregate classification (germline): Uncertain significance (1 of 4 stars; one submission).

gnomAD v4.1: 1 of 1,603,428 alleles (0.000062%); highest among the groups gnomAD compares: East Asian, 0.0022%; no homozygotes.

Submission:

GeneDx
Classification: Uncertain significance. Last evaluated: 2024-04-24. Review status: criteria provided, single submitter. Criteria: GeneDx Variant Classification Process June 2021. Collection method: clinical testing. Allele origin: germline. Affected: yes.
Comment: Not observed in large population cohorts (gnomAD); In silico analysis supports that this missense variant does not alter protein structure/function; Has not been previously published as pathogenic or benign to our knowledge

NM_001378969.1(KCND3):c.17C>T (p.Ala6Val)

Gene: KCND3 (potassium voltage-gated channel subfamily D member 3; minus strand). Cytogenetic location: 1p13.2.
Variant type: single nucleotide variant.
Coding change: c.17C>T on transcript NM_001378969.1 (MANE Select); coding-DNA position 17, C replaced by T.
Protein change: p.Ala6Val; replaces alanine 6 with valine.
Molecular consequence: missense variant.
Genome position (GRCh38, 1-based): chr1:111,982,710, G>A on the plus strand (C>T on the coding strand, the complement: KCND3 is on the minus strand). VCF-style: chr1-111982710-G-A. GRCh37 (hg19) VCF-style: chr1-112525332-G-A.
Other names: c.17C>T, p.Ala6Val (NM_001378970.1, NM_004980.5, NM_172198.3); short protein forms A6V.
Identifiers: ClinVar variation 3253282 (VCV003253282.1), dbSNP rs2525715317.